The following is an entry in ClinVar:

ClinVar aggregate classification (germline): Likely benign. Review status: criteria provided, multiple submitters, no conflicts (2 of 4 stars). 2 submissions from 2 submitters: Likely benign (2). Last evaluated 2023-09-01.

Allele frequency attached by ClinVar (database versions not stated): 1000 Genomes Project 0.00040; ESP Exome Variant Server 0.00056; gnomAD 0.00061; TOPMed 0.00061; 1000 Genomes Project 30x 0.00078.
gnomAD v4.1: 213 of 1,613,668 alleles (0.013%); highest among the groups gnomAD compares: African/African-American, 0.16%; no homozygotes.

Submissions (2):

CeGaT Center for Human Genetics Tuebingen
Classification: Likely benign. Last evaluated: 2023-09-01. Review status: criteria provided, single submitter. Criteria: CeGaT Center For Human Genetics Tuebingen Variant Classification Criteria Version 2. Collection method: clinical testing. Allele origin: germline. Affected: yes. Observed: 1 variant allele.
Comment: CSMD1: BP4, BP7, BS1

Labcorp Genetics (formerly Invitae), Labcorp
Classification: Likely benign. Last evaluated: 2018-04-26. Review status: criteria provided, single submitter. Criteria: Invitae Variant Classification Sherloc (09022015). Collection method: clinical testing. Allele origin: germline.

NM_033225.6(CSMD1):c.3891G>A (p.Pro1297=)

Gene: CSMD1 (CUB and Sushi multiple domains 1; minus strand). Cytogenetic location: 8p23.2.
Variant type: single nucleotide variant.
Coding change: c.3891G>A on transcript NM_033225.6 (MANE Select); coding-DNA position 3891, G replaced by A.
Protein change: p.Pro1297=; no amino-acid change (proline 1297 retained).
Molecular consequence: synonymous variant.
Genome position (GRCh38, 1-based): chr8:3,307,754, C>T on the plus strand (G>A on the coding strand, the complement: CSMD1 is on the minus strand). VCF-style: chr8-3307754-C-T. GRCh37 (hg19) VCF-style: chr8-3165276-C-T.
Identifiers: ClinVar variation 737164 (VCV000737164.28), dbSNP rs191537593, ClinGen allele CA4607589.